The following is an entry in ClinVar:

NM_020919.4(ALS2):c.3215A>T (p.Tyr1072Phe)

Gene: ALS2 (alsin Rho guanine nucleotide exchange factor ALS2; minus strand). Cytogenetic location: 2q33.1.
Variant type: single nucleotide variant.
Coding change: c.3215A>T on transcript NM_020919.4 (MANE Select); coding-DNA position 3215, A replaced by T.
Protein change: p.Tyr1072Phe; replaces tyrosine 1072 with phenylalanine.
Molecular consequence: missense variant.
Genome position (GRCh38, 1-based): chr2:201,726,517, T>A on the plus strand (A>T on the coding strand, the complement: ALS2 is on the minus strand). VCF-style: chr2-201726517-T-A. GRCh37 (hg19) VCF-style: chr2-202591240-T-A.
Other names: c.3215A>T, p.Tyr1072Phe (NM_001410975.1); short protein forms Y1072F.
Identifiers: ClinVar variation 2125602 (VCV002125602.4), dbSNP rs2106006006, ClinGen allele CA350320618.

ClinVar aggregate classification (germline): Uncertain significance (1 of 4 stars; one submission).

Conditions:
Infantile-onset ascending hereditary spastic paralysis (IAHSP). Also called: Infantile-Onset Ascending Hereditary Spastic Paralysis (IAHSP); Autosomal Recessive Juvenile Amyotrophic Lateral Sclerosis. Identifiers: Orphanet 293168, MedGen C2931441, MONDO:0011797, OMIM 607225. Disease mechanism: loss of function.

Submission:

Labcorp Genetics (formerly Invitae), Labcorp
Classification: Uncertain significance for Infantile-onset ascending hereditary spastic paralysis. Last evaluated: 2022-04-12. Review status: criteria provided, single submitter. Criteria: Invitae Variant Classification Sherloc (09022015). Collection method: clinical testing. Allele origin: germline.
Comment: In summary, the available evidence is currently insufficient to determine the role of this variant in disease. Therefore, it has been classified as a Variant of Uncertain Significance. Algorithms developed to predict the effect of missense changes on protein structure and function are either unavailable or do not agree on the potential impact of this missense change (SIFT: "Deleterious"; PolyPhen-2: "Possibly Damaging"; Align-GVGD: "Class C15"). This variant has not been reported in the literature in individuals affected with ALS2-related conditions. This variant is not present in population databases (gnomAD no frequency). This sequence change replaces tyrosine, which is neutral and polar, with phenylalanine, which is neutral and non-polar, at codon 1072 of the ALS2 protein (p.Tyr1072Phe).